The following is an entry in ClinVar:

NM_138927.4(SON):c.955G>C (p.Glu319Gln)

Gene: SON (SON DNA and RNA binding protein; plus strand). Cytogenetic location: 21q22.11.
Variant type: single nucleotide variant.
Coding change: c.955G>C on transcript NM_138927.4 (MANE Select); coding-DNA position 955, G replaced by C.
Protein change: p.Glu319Gln; replaces glutamic acid 319 with glutamine.
Molecular consequence: missense variant. On other transcripts: non-coding transcript variant (1), intron variant (1).
Genome position (GRCh38, 1-based): chr21:33,550,186, G>C. VCF-style: chr21-33550186-G-C. GRCh37 (hg19) VCF-style: chr21-34922492-G-C.
Other names: c.955G>C, p.Glu319Gln (NM_001291411.2, NM_032195.3); c.244+3807G>C (NM_001291412.3); c.955G>C (NM_138927.1, NM_138927.2); short protein forms E319Q.
Identifiers: ClinVar variation 717413 (VCV000717413.12), dbSNP rs767401593, ClinGen allele CA10008781.
Genomic context (GRCh38, chr21:33,550,186, plus strand): 5'-GTGTTAGAGCCTTCAGAAACCCTTGTGGTATCATCAGAGACACCTACTGAGGTGTACCCT[G>C]AGCCAAGCACATCAACAACAATGGATTTTCCAGAGTCATCTGCAATTGAAGCGCTAAGAT-3'
Protein context (NP_620305.3, residues 309-329): SSETPTEVYP[Glu319Gln]PSTSTTMDFP

ClinVar aggregate classification (germline): Benign/Likely benign. Review status: criteria provided, multiple submitters, no conflicts (2 of 4 stars). 3 submissions from 3 submitters: Benign (1); Likely benign (1). 1 of the submissions does not count toward it. Last evaluated 2025-07-03.

Conditions:
SON-related disorder. Also called: SON-related condition.
Inborn genetic diseases. Identifiers: MedGen C0950123, MeSH D030342.

Allele frequency attached by ClinVar (database versions not stated): gnomAD 0.00004 and 0.00007; gnomAD exomes 0.00004 and 0.00013; TOPMed 0.00006; ExAC 0.00009.
gnomAD v4.1: 60 of 1,614,230 alleles (0.0037%); highest among the groups gnomAD compares: Admixed American, 0.087%; no homozygotes.

Submissions (3):

Labcorp Genetics (formerly Invitae), Labcorp
Classification: Benign. Last evaluated: 2025-07-03. Review status: criteria provided, single submitter. Criteria: Invitae Variant Classification Sherloc (09022015). Collection method: clinical testing. Allele origin: germline.

Ambry Genetics
Classification: Likely benign for Inborn genetic diseases. Last evaluated: 2021-06-29. Review status: criteria provided, single submitter. Criteria: Ambry Variant Classification Scheme 2023. Collection method: clinical testing. Allele origin: germline.

PreventionGenetics, part of Exact Sciences
Classification: Likely benign for SON-related condition. Last evaluated: 2020-05-20. Review status: no assertion criteria provided. Collection method: clinical testing. Allele origin: germline. Not counted in ClinVar's aggregate classification.
Comment: This variant is classified as likely benign based on ACMG/AMP sequence variant interpretation guidelines (Richards et al. 2015 PMID: 25741868, with internal and published modifications).